The following is an entry in ClinVar:

ClinVar aggregate classification (germline): Benign/Likely benign. Review status: criteria provided, multiple submitters, no conflicts (2 of 4 stars). 4 submissions from 4 submitters: Benign (1); Likely benign (2). 1 of the submissions does not count toward it. Last evaluated 2025-09-30.

Conditions:
Insulin-dependent diabetes mellitus secretory diarrhea syndrome (IPEX). Also called: DIABETES MELLITUS, CONGENITAL INSULIN-DEPENDENT, WITH FATAL SECRETORY DIARRHEA; DIARRHEA, POLYENDOCRINOPATHY, FATAL INFECTION SYNDROME, X-LINKED; ENTEROPATHY, AUTOIMMUNE, WITH HEMOLYTIC ANEMIA AND POLYENDOCRINOPATHY; X-Linked Autoimmunity-Allergic Dysregulation Syndrome; IMMUNODEFICIENCY, POLYENDOCRINOPATHY, AND ENTEROPATHY, X-LINKED; Immunodeficiency, Polyendocrinopathy, and Enteropathy X-Linked Syndrome. Identifiers: Orphanet 37042, MedGen C0342288, MONDO:0010580, OMIM 304790. Disease mechanism: loss of function.
FOXP3-related disorder. Also called: FOXP3-related condition.

Allele frequency attached by ClinVar (database versions not stated): gnomAD exomes 0.00005 and 0.00002; TOPMed 0.00002; ExAC 0.00003; gnomAD 0.00003 and 0.00004.
gnomAD v4.1: 61 of 1,198,385 alleles (0.0051%); highest among the groups gnomAD compares: Middle Eastern, 0.092%; no homozygotes.

Submissions (4):

Labcorp Genetics (formerly Invitae), Labcorp
Classification: Benign for Insulin-dependent diabetes mellitus secretory diarrhea syndrome. Last evaluated: 2025-09-30. Review status: criteria provided, single submitter. Criteria: Invitae Variant Classification Sherloc (09022015). Collection method: clinical testing. Allele origin: germline.

Blueprint Genetics
Classification: Likely benign. Last evaluated: 2024-05-23. Review status: criteria provided, single submitter. Criteria: ACMG Guidelines, 2015. Collection method: clinical testing. Allele origin: germline.

Fulgent Genetics
Classification: Likely benign for Insulin-dependent diabetes mellitus secretory diarrhea syndrome. Last evaluated: 2021-11-05. Review status: criteria provided, single submitter. Criteria: ACMG Guidelines, 2015. Collection method: clinical testing. Allele origin: unknown.

PreventionGenetics, part of Exact Sciences
Classification: Likely benign for FOXP3-related condition. Last evaluated: 2019-09-04. Review status: no assertion criteria provided. Collection method: clinical testing. Allele origin: germline. Not counted in ClinVar's aggregate classification.
Comment: This variant is classified as likely benign based on ACMG/AMP sequence variant interpretation guidelines (Richards et al. 2015 PMID: 25741868, with internal and published modifications).

NM_014009.4(FOXP3):c.1051C>T (p.Leu351=)

Gene: FOXP3 (forkhead box P3; minus strand). Cytogenetic location: Xp11.23.
Variant type: single nucleotide variant.
Coding change: c.1051C>T on transcript NM_014009.4 (MANE Select); coding-DNA position 1051, C replaced by T.
Protein change: p.Leu351=; no amino-acid change (leucine 351 retained).
Molecular consequence: synonymous variant.
Genome position (GRCh38, 1-based): chrX:49,251,759, G>A on the plus strand (C>T on the coding strand, the complement: FOXP3 is on the minus strand). VCF-style: chrX-49251759-G-A. GRCh37 (hg19) VCF-style: chrX-49108220-G-A.
Other names: c.946C>T, p.Leu316= (NM_001114377.2).
Identifiers: ClinVar variation 785781 (VCV000785781.14), dbSNP rs782127412, ClinGen allele CA10411665.